The following is an entry in ClinVar:

ClinVar aggregate classification (germline): Pathogenic/Likely pathogenic. Review status: criteria provided, multiple submitters, no conflicts (2 of 4 stars). 2 submissions from 2 submitters: Pathogenic (1); Likely pathogenic (1). Last evaluated 2024-08-06.

Conditions:
X-linked Alport syndrome (ATS1). Also called: NEPHROPATHY AND DEAFNESS, X-LINKED; COL4A5-Related Nephropathy. Identifiers: Orphanet 63, Orphanet 88917, MedGen C4746986, MONDO:0010520, OMIM 301050.

Allele frequency attached by ClinVar (database versions not stated): gnomAD exomes 0.00001.
gnomAD v4.1: 1 of 1,195,223 alleles (0.000084%); highest among the groups gnomAD compares: African/African-American, 0.0017%; no homozygotes.

Submissions (2):

Labcorp Genetics (formerly Invitae), Labcorp
Classification: Pathogenic. Last evaluated: 2024-08-06. Review status: criteria provided, single submitter. Criteria: Invitae Variant Classification Sherloc (09022015). Collection method: clinical testing. Allele origin: germline.
Comment: This sequence change replaces glycine, which is neutral and non-polar, with valine, which is neutral and non-polar, at codon 893 of the COL4A5 protein (p.Gly893Val). This variant is present in population databases (rs397515496, gnomAD 0.008%). This missense change has been observed in individuals with Alport syndrome (PMID: 20378821, 22921432). Experimental studies and prediction algorithms are not available or were not evaluated, and the functional significance of this variant is currently unknown. Algorithms developed to predict the effect of sequence changes on RNA splicing suggest that this variant may disrupt the consensus splice site. This variant disrupts the triple helix domain of COL4A5. Glycine residues within the Gly-Xaa-Yaa repeats of the triple helix domain are required for the structure and stability of fibrillar collagens (PMID: 7695699, 8218237, 19344236). In COL4A5, missense variants at these glycine residues are significantly enriched in individuals with disease (PMID: 23720012, 27627812) compared to the general population (ExAC). For these reasons, this variant has been classified as Pathogenic.

Juno Genomics, Hangzhou Juno Genomics, Inc
Classification: Likely pathogenic for X-linked Alport syndrome. Review status: criteria provided, single submitter. Criteria: ACMG Guidelines, 2015. Collection method: clinical testing. Allele origin: germline. Affected: yes.
Comment: Absent from controls (or at extremely low frequency if recessive) in Genome Aggregation Database, Exome Sequencing Project, 1000 Genomes Project, or Exome Aggregation Consortium.;The prevalence of the variant in affected individuals is significantly increased compared to the prevalence in controls.;Patient's phenotype or family history is highly specific for a disease with a single genetic etiology.;Multiple lines of computational evidence support a deleterious effect on the gene or gene product (conservation, evolutionary, splicing impact, etc).

Literature cited by the submitters: PubMed 20378821 (cited by Labcorp Genetics (formerly Invitae), Labcorp); PubMed 22921432 (cited by Labcorp Genetics (formerly Invitae), Labcorp); PubMed 7695699 (cited by Labcorp Genetics (formerly Invitae), Labcorp); PubMed 8218237 (cited by Labcorp Genetics (formerly Invitae), Labcorp); PubMed 19344236 (cited by Labcorp Genetics (formerly Invitae), Labcorp); PubMed 23720012 (cited by Labcorp Genetics (formerly Invitae), Labcorp); PubMed 27627812 (cited by Labcorp Genetics (formerly Invitae), Labcorp).

NM_033380.3(COL4A5):c.2678G>T (p.Gly893Val)

Gene: COL4A5 (collagen type IV alpha 5 chain; plus strand). Cytogenetic location: Xq22.3.
Variant type: single nucleotide variant.
Coding change: c.2678G>T on transcript NM_033380.3 (MANE Select); coding-DNA position 2678, G replaced by T.
Protein change: p.Gly893Val; replaces glycine 893 with valine.
Molecular consequence: missense variant.
Genome position (GRCh38, 1-based): chrX:108,621,803, G>T. VCF-style: chrX-108621803-G-T. GRCh37 (hg19) VCF-style: chrX-107865033-G-T.
Other names: c.2678G>T, p.Gly893Val (NM_000495.5); c.2678G>T (NM_000495.4); short protein forms G893V.
Identifiers: ClinVar variation 3383046 (VCV003383046.4), dbSNP rs397515496.